The following is an entry in ClinVar:

ClinVar aggregate classification (germline): Likely benign (1 of 4 stars; one submission).

Allele frequency attached by ClinVar (database versions not stated): ExAC 0.00001.

Submission:

CeGaT Center for Human Genetics Tuebingen
Classification: Likely benign. Last evaluated: 2023-02-01. Review status: criteria provided, single submitter. Criteria: CeGaT Center For Human Genetics Tuebingen Variant Classification Criteria Version 2. Collection method: clinical testing. Allele origin: germline. Affected: yes. Observed: 1 variant allele.
Comment: KMT2D: PM2:Supporting, BP4, BP7

NM_003482.4(KMT2D):c.10212C>T (p.Asn3404=)

Gene: KMT2D (lysine methyltransferase 2D; minus strand). Cytogenetic location: 12q13.12.
Variant type: single nucleotide variant.
Coding change: c.10212C>T on transcript NM_003482.4 (MANE Select); coding-DNA position 10212, C replaced by T.
Protein change: p.Asn3404=; no amino-acid change (asparagine 3404 retained).
Molecular consequence: synonymous variant.
Genome position (GRCh38, 1-based): chr12:49,037,144, G>A on the plus strand (C>T on the coding strand, the complement: KMT2D is on the minus strand). VCF-style: chr12-49037144-G-A. GRCh37 (hg19) VCF-style: chr12-49430927-G-A.
Identifiers: ClinVar variation 2642946 (VCV002642946.24), dbSNP rs770689707, ClinGen allele CA6546584.